The following is an entry in ClinVar:

ClinVar aggregate classification (germline): Conflicting classifications of pathogenicity. Review status: criteria provided, conflicting classifications (1 of 4 stars). 5 submissions from 5 submitters: Likely pathogenic (3); Uncertain significance (1). 1 of the submissions does not count toward it. Last evaluated 2026-06-01.

Conditions:
Agenesis of the corpus callosum with peripheral neuropathy (ACCPN). Also called: CHARLEVOIX DISEASE; POLYNEUROPATHY, SENSORIMOTOR, WITH OR WITHOUT AGENESIS OF THE CORPUS CALLOSUM; HMSN/ACC; Hereditary Motor and Sensory Neuropathy with Agenesis of the Corpus Callosum. Identifiers: Orphanet 1496, MedGen C0795950, MONDO:0000902, OMIM 218000. Disease mechanism: loss of function.
Charcot-Marie-Tooth disease, axonal, IIa 2II. Also called: CHARCOT-MARIE-TOOTH NEUROPATHY, TYPE 2II; Charcot-Marie-Tooth disease, axonal, type 2II; Charcot-marie-tooth disease, axonal,IIa 2II. Identifiers: MedGen C5774227, MONDO:0031068, OMIM 620068.

Submissions (5):

CeGaT Center for Human Genetics Tuebingen
Classification: Likely pathogenic. Last evaluated: 2026-06-01. Review status: criteria provided, single submitter. Criteria: CeGaT Center For Human Genetics Tuebingen Variant Classification Criteria Version 2. Collection method: clinical testing. Allele origin: germline. Affected: yes. Observed: 1 variant allele.
Comment: SLC12A6: PM2, PM6, PS4:Moderate, PP2, PS3:Supporting

Women's Health and Genetics/Laboratory Corporation of America, LabCorp
Classification: Likely pathogenic for Agenesis of the corpus callosum with peripheral neuropathy. Last evaluated: 2024-10-11. Review status: criteria provided, single submitter. Criteria: LabCorp Variant Classification Summary - May 2015. Collection method: clinical testing. Allele origin: germline.
Comment: Variant summary: SLC12A6 c.2971A>G (p.Thr991Ala) results in a non-conservative amino acid change in the encoded protein sequence. Two of three in-silico tools predict a damaging effect of the variant on protein function. The variant was absent in 251416 control chromosomes. c.2971A>G has been reported in the literature as de novo in an individual affected with Andermann Syndrome (Kahle_2016). At least one publication reports experimental evidence evaluating an impact on protein function. The most pronounced variant effect results in loss of Thr991 phosphorylation site, constitutive KCCc activity and compromised cell volume homeostasis. Furthermore, KCC3T991A/T991A mutant mice exhibited constitutive KCC3 activity and recapitulated aspects of the clinical, electrophysiological, and histopathological findings of the patient (Kahle_2016). The following publication have been ascertained in the context of this evaluation (PMID: 27485015). ClinVar contains an entry for this variant (Variation ID: 1708535). Based on the evidence outlined above, the variant was classified as likely pathogenic.

Revvity Omics, Revvity
Classification: Likely pathogenic. Last evaluated: 2022-02-07. Review status: criteria provided, single submitter. Criteria: ACMG Guidelines, 2015. Collection method: clinical testing. Allele origin: germline.

Blueprint Genetics
Classification: Uncertain significance. Last evaluated: 2019-01-11. Review status: criteria provided, single submitter. Criteria: ACMG Guidelines, 2015. Collection method: clinical testing. Allele origin: germline.

OMIM
Classification: Pathogenic for CHARCOT-MARIE-TOOTH DISEASE, AXONAL, TYPE 2II. Last evaluated: 2022-10-07. Review status: no assertion criteria provided. Collection method: literature only. Allele origin: germline. Not counted in ClinVar's aggregate classification.

Literature cited by the submitters: PubMed 27485015 (cited by Women's Health and Genetics/Laboratory Corporation of America, LabCorp and OMIM).

NM_001365088.1(SLC12A6):c.2971A>G (p.Thr991Ala)

Gene: SLC12A6 (solute carrier family 12 member 6; minus strand). Cytogenetic location: 15q14.
Variant type: single nucleotide variant.
Coding change: c.2971A>G on transcript NM_001365088.1 (MANE Select); coding-DNA position 2971, A replaced by G.
Protein change: p.Thr991Ala; replaces threonine 991 with alanine.
Molecular consequence: missense variant.
Genome position (GRCh38, 1-based): chr15:34,236,779, T>C on the plus strand (A>G on the coding strand, the complement: SLC12A6 is on the minus strand). VCF-style: chr15-34236779-T-C. GRCh37 (hg19) VCF-style: chr15-34528980-T-C.
Other names: c.2794A>G, p.Thr932Ala (NM_001042494.2, NM_001042495.2); c.2944A>G, p.Thr982Ala (NM_001042496.2); c.2926A>G, p.Thr976Ala (NM_001042497.2); c.2818A>G, p.Thr940Ala (NM_005135.2); c.2971A>G, p.Thr991Ala (NM_133647.2); short protein forms T991A, T932A, T940A, T976A, T982A.
Identifiers: ClinVar variation 1708535 (VCV001708535.8), dbSNP rs2509746048, ClinGen allele CA391618017.
Genomic context (GRCh38, chr15:34,236,779, plus strand): 5'-GCTCTGTTTTGGATAGCCGCATGTGCCGGAGCATCTGGGACCTTTGTTCCATCATCAAAG[T>C]GCGCTCGTAAGTATATGCTGATATATCACTGTCATGCTGCCATAGACATCACATAAAAGG-3'
Protein context (NP_001352017.1, residues 981-1001): SDISAYTYER[Thr991Ala]LMMEQRSQML